The following is an entry in ClinVar:

ClinVar aggregate classification (germline): Likely pathogenic (1 of 4 stars; one submission).

Conditions:
Stickler syndrome type 2 (STL2). Also called: STICKLER SYNDROME, BEADED VITREOUS TYPE; STICKLER SYNDROME, VITREOUS TYPE 2; COL11A1-Related Stickler Syndrome; STICKLER SYNDROME, TYPE II. Identifiers: Orphanet 828, Orphanet 90654, MedGen C1858084, MONDO:0011493, OMIM 604841.

Submission:

MVZ Medizinische Genetik Mainz
Classification: Likely pathogenic for Stickler syndrome type 2. Last evaluated: 2025-03-11. Review status: criteria provided, single submitter. Criteria: UK Practice Guidelines For Variant Classification V4 01 2020. Collection method: clinical testing. Allele origin: germline. Inheritance: Autosomal dominant inheritance. Affected: yes. Observed: 1 variant allele.
Comment: ACMG Criteria: PP3_STR,PM2_SUP,PM5_SUP

NM_001854.4(COL11A1):c.3646G>T (p.Gly1216Cys)

Gene: COL11A1 (collagen type XI alpha 1 chain; minus strand). Cytogenetic location: 1p21.1.
Variant type: single nucleotide variant.
Coding change: c.3646G>T on transcript NM_001854.4 (MANE Select); coding-DNA position 3646, G replaced by T.
Protein change: p.Gly1216Cys; replaces glycine 1216 with cysteine.
Molecular consequence: missense variant. On other transcripts: non-coding transcript variant (1).
Genome position (GRCh38, 1-based): chr1:102,923,344, C>A on the plus strand (G>T on the coding strand, the complement: COL11A1 is on the minus strand). VCF-style: chr1-102923344-C-A. GRCh37 (hg19) VCF-style: chr1-103388900-C-A.
Other names: c.3529G>T, p.Gly1177Cys (NM_001190709.2); c.3682G>T, p.Gly1228Cys (NM_080629.3); c.3298G>T, p.Gly1100Cys (NM_080630.4); short protein forms G1100C, G1177C, G1216C, G1228C.
Identifiers: ClinVar variation 3774559 (VCV003774559.1).